The following is an entry in ClinVar:

NM_033109.5(PNPT1):c.667A>G (p.Lys223Glu)

Gene: PNPT1 (polyribonucleotide nucleotidyltransferase 1; minus strand). Cytogenetic location: 2p16.1.
Variant type: single nucleotide variant.
Coding change: c.667A>G on transcript NM_033109.5 (MANE Select); coding-DNA position 667, A replaced by G.
Protein change: p.Lys223Glu; replaces lysine 223 with glutamic acid.
Molecular consequence: missense variant.
Genome position (GRCh38, 1-based): chr2:55,679,694, T>C on the plus strand (A>G on the coding strand, the complement: PNPT1 is on the minus strand). VCF-style: chr2-55679694-T-C. GRCh37 (hg19) VCF-style: chr2-55906829-T-C.
Other names: short protein forms K223E.
Identifiers: ClinVar variation 1334340 (VCV001334340.11), dbSNP rs752759589, ClinGen allele CA1668385.

ClinVar aggregate classification (germline): Conflicting classifications of pathogenicity. Review status: criteria provided, conflicting classifications (1 of 4 stars). 2 submissions from 2 submitters: Uncertain significance (1); Likely benign (1). Last evaluated 2025-12-18.

Allele frequency attached by ClinVar (database versions not stated): ExAC 0.00003; gnomAD exomes 0.00003 and 0.00011; gnomAD 0.00005 and 0.00006; TOPMed 0.00011.
gnomAD v4.1: 52 of 1,606,098 alleles (0.0032%); highest among the groups gnomAD compares: Admixed American, 0.072%; 1 homozygote.

Submissions (2):

Labcorp Genetics (formerly Invitae), Labcorp
Classification: Likely benign. Last evaluated: 2025-12-18. Review status: criteria provided, single submitter. Criteria: Invitae Variant Classification Sherloc (09022015). Collection method: clinical testing. Allele origin: germline.

GeneDx
Classification: Uncertain significance. Last evaluated: 2022-01-10. Review status: criteria provided, single submitter. Criteria: GeneDx Variant Classification Process June 2021. Collection method: clinical testing. Allele origin: germline. Affected: yes.
Comment: In silico analysis supports that this missense variant does not alter protein structure/function; Has not been previously published as pathogenic or benign to our knowledge